The following is an entry in ClinVar:

ClinVar aggregate classification (germline): Uncertain significance (1 of 4 stars; one submission).

gnomAD v4.1: 1 of 1,608,458 alleles (0.000062%); highest among the groups gnomAD compares: Non-Finnish European, 0.000085%; no homozygotes.

Submission:

Labcorp Genetics (formerly Invitae), Labcorp
Classification: Uncertain significance. Last evaluated: 2021-09-09. Review status: criteria provided, single submitter. Criteria: Invitae Variant Classification Sherloc (09022015). Collection method: clinical testing. Allele origin: germline.
Comment: This sequence change replaces arginine with serine at codon 228 of the TGFB1 protein (p.Arg228Ser). The arginine residue is weakly conserved and there is a moderate physicochemical difference between arginine and serine. This variant is not present in population databases (ExAC no frequency). This variant has not been reported in the literature in individuals affected with TGFB1-related conditions. Algorithms developed to predict the effect of missense changes on protein structure and function (SIFT, PolyPhen-2, Align-GVGD) all suggest that this variant is likely to be tolerated. In summary, the available evidence is currently insufficient to determine the role of this variant in disease. Therefore, it has been classified as a Variant of Uncertain Significance.

NM_000660.7(TGFB1):c.684G>T (p.Arg228Ser)

Gene: TGFB1 (transforming growth factor beta 1; minus strand). Cytogenetic location: 19q13.2.
Variant type: single nucleotide variant.
Coding change: c.684G>T on transcript NM_000660.7 (MANE Select); coding-DNA position 684, G replaced by T.
Protein change: p.Arg228Ser; replaces arginine 228 with serine.
Molecular consequence: missense variant.
Genome position (GRCh38, 1-based): chr19:41,342,198, C>A on the plus strand (G>T on the coding strand, the complement: TGFB1 is on the minus strand). VCF-style: chr19-41342198-C-A. GRCh37 (hg19) VCF-style: chr19-41848103-C-A.
Other names: short protein forms R228S.
Identifiers: ClinVar variation 1380392 (VCV001380392.6), dbSNP rs771288773, ClinGen allele CA405999907.
Genomic context (GRCh38, chr19:41,342,198, plus strand): 5'-CAACTGGGCATGGCCGGGGAAGCAGGCCTCACCGTTGATGTCCACTTGCAGTGTGTTATC[C>A]CTGCTGTCACAGGAGCAGTGGGCGCTAAGGCGAAAGCCCTCAATTTCCCCTGTAGGAGTG-3'
Protein context (NP_000651.3, residues 218-238): RLSAHCSCDS[Arg228Ser]DNTLQVDING